The following is an entry in ClinVar:

NM_001161352.2(KCNMA1):c.3443C>G (p.Pro1148Arg)

Genes: KCNMA1-AS1 (KCNMA1 antisense RNA 1; plus strand), KCNMA1 (potassium calcium-activated channel subfamily M alpha 1; minus strand). Cytogenetic location: 10q22.3.
Variant type: single nucleotide variant.
Coding change: c.3443C>G on transcript NM_001161352.2 (MANE Select); coding-DNA position 3443, C replaced by G.
Protein change: p.Pro1148Arg; replaces proline 1148 with arginine.
Molecular consequence: missense variant.
Genome position (GRCh38, 1-based): chr10:76,889,469, G>C on the plus strand (C>G on the coding strand, the complement: KCNMA1 is on the minus strand). VCF-style: chr10-76889469-G-C. GRCh37 (hg19) VCF-style: chr10-78649227-G-C.
Other names: c.3281C>G, p.Pro1094Arg (NM_001014797.3); c.3392C>G, p.Pro1131Arg (NM_001161353.2); c.3119C>G, p.Pro1040Arg (NM_001271518.2); c.3359C>G, p.Pro1120Arg (NM_001271519.2); c.3278C>G, p.Pro1093Arg (NM_001322829.2, NM_001322836.2); c.3371C>G, p.Pro1124Arg (NM_001322830.2); c.3269C>G, p.Pro1090Arg (NM_001322832.2, NM_001410940.1, NM_002247.4); c.3362C>G, p.Pro1121Arg (NM_001322835.2, NM_001322837.2); and 1 more; short protein forms P1040R, P1090R, P1093R, P1094R, P1120R, P1121R, P1124R, P1131R.
Identifiers: ClinVar variation 2444543 (VCV002444543.7), dbSNP rs1356235297, ClinGen allele CA377403033.

ClinVar aggregate classification (germline): Uncertain significance. Review status: criteria provided, multiple submitters, no conflicts (2 of 4 stars). 3 submissions from 3 submitters: Uncertain significance (3). Last evaluated 2025-08-13.

Conditions:
Generalized epilepsy-paroxysmal dyskinesia syndrome (PNKD3). Also called: Paroxysmal nonkinesigenic dyskinesia, 3, with or without generalized epilepsy; Generalized epilepsy and paroxysmal dyskinesia. Identifiers: Orphanet 79137, MedGen C5574945, MONDO:0012276, OMIM 609446.
Cerebellar atrophy, developmental delay, and seizures. Identifiers: MedGen C4539985, MONDO:0060551, OMIM 617643.
Epilepsy, idiopathic generalized, susceptibility to, 16. Identifiers: MedGen C5231421, MONDO:0032827, OMIM 618596.
Liang-Wang syndrome. Identifiers: Orphanet 664438, MedGen C5231479, MONDO:0032886, OMIM 618729.

Allele frequency attached by ClinVar (database versions not stated): gnomAD 0.00001.
gnomAD v4.1: 19 of 1,611,436 alleles (0.0012%); highest among the groups gnomAD compares: Non-Finnish European, 0.0016%; no homozygotes.

Submissions (3):

Labcorp Genetics (formerly Invitae), Labcorp
Classification: Uncertain significance for Generalized epilepsy-paroxysmal dyskinesia syndrome. Last evaluated: 2025-08-13. Review status: criteria provided, single submitter. Criteria: Invitae Variant Classification Sherloc (09022015). Collection method: clinical testing. Allele origin: germline.
Comment: This sequence change replaces proline, which is neutral and non-polar, with arginine, which is basic and polar, at codon 1090 of the KCNMA1 protein (p.Pro1090Arg). This variant is present in population databases (no rsID available, gnomAD 0.0009%). This variant has not been reported in the literature in individuals affected with KCNMA1-related conditions. ClinVar contains an entry for this variant (Variation ID: 2444543). Invitae Evidence Modeling of protein sequence and biophysical properties (such as structural, functional, and spatial information, amino acid conservation, physicochemical variation, residue mobility, and thermodynamic stability) indicates that this missense variant is not expected to disrupt KCNMA1 protein function with a negative predictive value of 80%. In summary, the available evidence is currently insufficient to determine the role of this variant in disease. Therefore, it has been classified as a Variant of Uncertain Significance.

Women's Health and Genetics/Laboratory Corporation of America, LabCorp
Classification: Uncertain significance. Last evaluated: 2023-10-10. Review status: criteria provided, single submitter. Criteria: LabCorp Variant Classification Summary - May 2015. Collection method: clinical testing. Allele origin: germline.
Comment: Variant summary: KCNMA1 c.3443C>G (p.Pro1148Arg) results in a non-conservative amino acid change located in the Ca2+-activated K+ channel Slowpoke-like, C-terminal domain of the encoded protein sequence. Three of five in-silico tools predict a benign effect of the variant on protein function. The variant allele was found at a frequency of 4e-06 in 251274 control chromosomes. The available data on variant occurrences in the general population are insufficient to allow any conclusion about variant significance. To our knowledge, no occurrence of c.3443C>G in individuals affected with Paroxysmal Nonkinesigenic Dyskinesia, 3, With Or Without Generalized Epilepsy and no experimental evidence demonstrating its impact on protein function have been reported. One submitter has cited clinical-significance assessments for this variant to ClinVar after 2014 and has classified the variant as uncertain significance. Based on the evidence outlined above, the variant was classified as uncertain significance.

GeneDx
Classification: Uncertain significance. Last evaluated: 2022-09-15. Review status: criteria provided, single submitter. Criteria: GeneDx Variant Classification Process June 2021. Collection method: clinical testing. Allele origin: germline. Affected: yes.
Comment: Not observed at significant frequency in large population cohorts (gnomAD); In silico analysis supports that this missense variant has a deleterious effect on protein structure/function; Has not been previously published as pathogenic or benign to our knowledge